The following is an entry in ClinVar:

NM_000834.5(GRIN2B):c.4437del (p.Ser1479fs)

Gene: GRIN2B (glutamate ionotropic receptor NMDA type subunit 2B; minus strand). Cytogenetic location: 12p13.1.
Variant type: Deletion.
Coding change: c.4437del on transcript NM_000834.5 (MANE Select); coding-DNA position 4437, one base deleted (T; older notation c.4437delT).
Protein change: p.Ser1479fs; shifts the reading frame from serine 1479.
Molecular consequence: frameshift variant.
Genome position (GRCh38, 1-based): chr12:13,562,801, A deleted on the plus strand (T on the coding strand, the reverse complement: GRIN2B is on the minus strand). VCF-style (leftmost placement, unchanged base first): chr12-13562800-TA-T. GRCh37 (hg19) VCF-style: chr12-13715734-TA-T.
Other names: short protein forms S1479fs.
Identifiers: ClinVar variation 856799 (VCV000856799.8), dbSNP rs1948563428, ClinGen allele CA916083290.

ClinVar aggregate classification (germline): Uncertain significance (1 of 4 stars; one submission).

Conditions:
Intellectual developmental disorder, autosomal dominant 6, with or without seizures. Also called: Intellectual disability, autosomal dominant 6; GRIN2B-related developmental delay, intellectual disability and autism spectrum disorder. Identifiers: Orphanet 589547, MedGen C3151411, MONDO:0013509, OMIM 613970.
Developmental and epileptic encephalopathy, 27 (DEE27). Also called: GRIN2B-Related Neurodevelopmental Disorder; Epileptic encephalopathy, early infantile, 27. Identifiers: Orphanet 3451, MedGen C4015316, MONDO:0014505, OMIM 616139.

Submission:

Labcorp Genetics (formerly Invitae), Labcorp
Classification: Uncertain significance for Developmental and epileptic encephalopathy, 27; Intellectual developmental disorder, autosomal dominant 6, with or without seizures. Last evaluated: 2022-03-22. Review status: criteria provided, single submitter. Criteria: Invitae Variant Classification Sherloc (09022015). Collection method: clinical testing. Allele origin: germline.
Comment: This sequence change results in a frameshift in the GRIN2B gene (p.Ser1479Argfs*8). While this is not anticipated to result in nonsense mediated decay, it is expected to disrupt the last 6 amino acid(s) of the GRIN2B protein and extend the protein by 1 additional amino acid residues. This variant is not present in population databases (gnomAD no frequency). This variant has not been reported in the literature in individuals affected with GRIN2B-related conditions. ClinVar contains an entry for this variant (Variation ID: 856799). Experimental studies and prediction algorithms are not available or were not evaluated, and the functional significance of this variant is currently unknown. In summary, the available evidence is currently insufficient to determine the role of this variant in disease. Therefore, it has been classified as a Variant of Uncertain Significance.